The following is an entry in ClinVar:

NM_012120.3(CD2AP):c.660T>G (p.Phe220Leu)

Gene: CD2AP (CD2 associated protein; plus strand). Cytogenetic location: 6p12.3.
Variant type: single nucleotide variant.
Coding change: c.660T>G on transcript NM_012120.3 (MANE Select); coding-DNA position 660, T replaced by G.
Protein change: p.Phe220Leu; replaces phenylalanine 220 with leucine.
Molecular consequence: missense variant.
Genome position (GRCh38, 1-based): chr6:47,574,182, T>G. VCF-style: chr6-47574182-T-G. GRCh37 (hg19) VCF-style: chr6-47541918-T-G.
Other names: short protein forms F220L.
Identifiers: ClinVar variation 2039108 (VCV002039108.1), dbSNP rs139926926, ClinGen allele CA3844051.

ClinVar aggregate classification (germline): Uncertain significance (1 of 4 stars; one submission).

Allele frequency attached by ClinVar (database versions not stated): gnomAD 0.00003; gnomAD exomes 0.00005; TOPMed 0.00005; ExAC 0.00006; ESP Exome Variant Server 0.00008.
gnomAD v4.1: 88 of 1,613,958 alleles (0.0055%); highest among the groups gnomAD compares: Middle Eastern, 0.049%; no homozygotes.

Submission:

Labcorp Genetics (formerly Invitae), Labcorp
Classification: Uncertain significance. Last evaluated: 2022-04-26. Review status: criteria provided, single submitter. Criteria: Invitae Variant Classification Sherloc (09022015). Collection method: clinical testing. Allele origin: germline.
Comment: This sequence change replaces phenylalanine, which is neutral and non-polar, with leucine, which is neutral and non-polar, at codon 220 of the CD2AP protein (p.Phe220Leu). This variant is present in population databases (rs139926926, gnomAD 0.01%). This missense change has been observed in individual(s) with CD2AP-related conditions (PMID: 23595123; Invitae). Algorithms developed to predict the effect of missense changes on protein structure and function are either unavailable or do not agree on the potential impact of this missense change (SIFT: "Tolerated"; PolyPhen-2: "Probably Damaging"; Align-GVGD: "Class C0"). In summary, the available evidence is currently insufficient to determine the role of this variant in disease. Therefore, it has been classified as a Variant of Uncertain Significance.

Literature cited by the submitters: PubMed 23595123.